The following is an entry in ClinVar:

NM_014989.7(RIMS1):c.*1076A>G

Gene: RIMS1 (regulating synaptic membrane exocytosis 1; plus strand). Cytogenetic location: 6q13.
Variant type: single nucleotide variant.
Coding change: c.*1076A>G on transcript NM_014989.7 (MANE Select); 1076 bases downstream of the stop codon, A replaced by G.
Molecular consequence: 3 prime UTR variant.
Genome position (GRCh38, 1-based): chr6:72,401,790, A>G. VCF-style: chr6-72401790-A-G. GRCh37 (hg19) VCF-style: chr6-73111492-A-G.
Other names: c.*1076A>G (NM_001168407.2, NM_001168408.2, NM_001168409.2 and 60 more transcripts).
Identifiers: ClinVar variation 357879 (VCV000357879.5), dbSNP rs9446638, ClinGen allele CA10624596.

ClinVar aggregate classification (germline): Benign (1 of 4 stars; one submission).

Conditions:
Cone-rod dystrophy 7 (CORD7). Identifiers: Orphanet 1872, MedGen C1863634, MONDO:0011355, OMIM 603649.

Allele frequency attached by ClinVar (database versions not stated): gnomAD exomes 0.11860; 1000 Genomes Project 30x 0.10759; 1000 Genomes Project 0.11202; gnomAD 0.11569 and 0.11417; TOPMed 0.10640.
gnomAD v4.1: 17,647 of 152,732 alleles (12%); highest among the groups gnomAD compares: South Asian, 14%; 1,056 homozygotes.

Submission:

Illumina Laboratory Services, Illumina
Classification: Benign for Cone-rod dystrophy 7. Last evaluated: 2018-01-13. Review status: criteria provided, single submitter. Criteria: ICSL Variant Classification Criteria 13 December 2019. Collection method: clinical testing. Allele origin: germline.
Comment: This variant was observed in the ICSL laboratory as part of a predisposition screen in an ostensibly healthy population. It had not been previously curated by ICSL or reported in the Human Gene Mutation Database (HGMD: prior to June 1st, 2018), and was therefore a candidate for classification through an automated scoring system. Utilizing variant allele frequency, disease prevalence and penetrance estimates, and inheritance mode, an automated score was calculated to assess if this variant is too frequent to cause the disease. Based on the score and internal cut-off values, a variant classified as benign is not then subjected to further curation. The score for this variant resulted in a classification of benign for this disease.